The following is an entry in ClinVar:

NM_014141.6(CNTNAP2):c.3889G>A (p.Glu1297Lys)

Gene: CNTNAP2 (contactin associated protein 2; plus strand). Cytogenetic location: 7q36.1.
Variant type: single nucleotide variant.
Coding change: c.3889G>A on transcript NM_014141.6 (MANE Select); coding-DNA position 3889, G replaced by A.
Protein change: p.Glu1297Lys; replaces glutamic acid 1297 with lysine.
Molecular consequence: missense variant.
Genome position (GRCh38, 1-based): chr7:148,415,509, G>A. VCF-style: chr7-148415509-G-A. GRCh37 (hg19) VCF-style: chr7-148112601-G-A.
Other names: c.3889G>A (NM_014141.5); short protein forms E1297K.
Identifiers: ClinVar variation 1448960 (VCV001448960.9), dbSNP rs777946931, ClinGen allele CA4546831.

ClinVar aggregate classification (germline): Uncertain significance. Review status: criteria provided, multiple submitters, no conflicts (2 of 4 stars). 2 submissions from 2 submitters: Uncertain significance (2). Last evaluated 2025-05-26.

Conditions:
Inborn genetic diseases. Identifiers: MedGen C0950123, MeSH D030342.
Cortical dysplasia-focal epilepsy syndrome (PTHSL1). Also called: Pitt-Hopkins-like syndrome 1. Identifiers: Orphanet 163681, Orphanet 221150, MedGen C2750246, MONDO:0012400, OMIM 610042.

Allele frequency attached by ClinVar (database versions not stated): gnomAD 0.00001; gnomAD exomes 0.00001 and 0.00002; TOPMed 0.00001; ExAC 0.00002.
gnomAD v4.1: 12 of 1,614,076 alleles (0.00074%); highest among the groups gnomAD compares: South Asian, 0.0077%; no homozygotes.

Submissions (2):

Ambry Genetics
Classification: Uncertain significance for Inborn genetic diseases. Last evaluated: 2025-05-26. Review status: criteria provided, single submitter. Criteria: Ambry Variant Classification Scheme 2023. Collection method: clinical testing. Allele origin: germline.

Labcorp Genetics (formerly Invitae), Labcorp
Classification: Uncertain significance for Cortical dysplasia-focal epilepsy syndrome. Last evaluated: 2022-08-16. Review status: criteria provided, single submitter. Criteria: Invitae Variant Classification Sherloc (09022015). Collection method: clinical testing. Allele origin: germline.
Comment: In summary, the available evidence is currently insufficient to determine the role of this variant in disease. Therefore, it has been classified as a Variant of Uncertain Significance. Algorithms developed to predict the effect of missense changes on protein structure and function (SIFT, PolyPhen-2, Align-GVGD) all suggest that this variant is likely to be disruptive. ClinVar contains an entry for this variant (Variation ID: 1448960). This variant has not been reported in the literature in individuals affected with CNTNAP2-related conditions. This variant is present in population databases (rs777946931, gnomAD 0.01%). This sequence change replaces glutamic acid, which is acidic and polar, with lysine, which is basic and polar, at codon 1297 of the CNTNAP2 protein (p.Glu1297Lys).